The following is an entry in ClinVar:

NM_000393.5(COL5A2):c.3422A>C (p.Gln1141Pro)

Gene: COL5A2 (collagen type V alpha 2 chain; minus strand). Cytogenetic location: 2q32.2.
Variant type: single nucleotide variant.
Coding change: c.3422A>C on transcript NM_000393.5 (MANE Select); coding-DNA position 3422, A replaced by C.
Protein change: p.Gln1141Pro; replaces glutamine 1141 with proline.
Molecular consequence: missense variant.
Genome position (GRCh38, 1-based): chr2:189,043,200, T>G on the plus strand (A>C on the coding strand, the complement: COL5A2 is on the minus strand). VCF-style: chr2-189043200-T-G. GRCh37 (hg19) VCF-style: chr2-189907926-T-G.
Other names: short protein forms Q1141P.
Identifiers: ClinVar variation 426754 (VCV000426754.17), dbSNP rs144890303, ClinGen allele CA2021999.

ClinVar aggregate classification (germline): Conflicting classifications of pathogenicity. Review status: criteria provided, conflicting classifications (1 of 4 stars). 5 submissions from 5 submitters: Uncertain significance (3); Likely benign (2). Last evaluated 2026-08-16.

Conditions:
Ehlers-Danlos syndrome, classic type, 1 (EDSCL1). Also called: EDS I; EHLERS-DANLOS SYNDROME, GRAVIS TYPE; EHLERS-DANLOS SYNDROME, SEVERE CLASSIC TYPE; Ehlers-Danlos Syndrome, Classic Type, COL5A1-Related; Ehlers-Danlos syndrome, type 1. Identifiers: MedGen C0268335, MONDO:0019567, OMIM 130000.
Familial thoracic aortic aneurysm and aortic dissection (TAAD). Also called: Thoracic aortic aneurysms and dissections. Identifiers: Orphanet 91387, MedGen C4707243, MONDO:0019625.
Ehlers-Danlos syndrome (EDS). Identifiers: Orphanet 98249, MedGen C0013720, MONDO:0020066.
Familial aortopathy. Identifiers: MedGen CN078214.

Allele frequency attached by ClinVar (database versions not stated): gnomAD 0.00001 and 0.00002; gnomAD exomes 0.00001; TOPMed 0.00001; ExAC 0.00003; ESP Exome Variant Server 0.00015.
gnomAD v4.1: 75 of 1,613,912 alleles (0.0046%); highest among the groups gnomAD compares: Non-Finnish European, 0.006%; no homozygotes.

Submissions (5):

Ambry Genetics
Classification: Likely benign for Familial thoracic aortic aneurysm and aortic dissection. Last evaluated: 2026-08-16. Review status: criteria provided, single submitter. Criteria: Ambry Variant Classification Scheme 2023. Collection method: clinical testing. Allele origin: germline.

Labcorp Genetics (formerly Invitae), Labcorp
Classification: Likely benign for Ehlers-Danlos syndrome, classic type, 1. Last evaluated: 2025-07-13. Review status: criteria provided, single submitter. Criteria: Invitae Variant Classification Sherloc (09022015). Collection method: clinical testing. Allele origin: germline.

Genome Diagnostics Laboratory, The Hospital for Sick Children
Classification: Uncertain significance for Ehlers-Danlos syndrome. Last evaluated: 2018-08-01. Review status: criteria provided, single submitter. Criteria: ACMG Guidelines, 2015. Collection method: clinical testing. Allele origin: germline.

Royal Brompton Clinical Genetics And Genomics Laboratory, NHS South East Genomic Laboratory Hub
Classification: Uncertain significance for Aortopathy. Last evaluated: 2017-09-13. Review status: criteria provided, single submitter. Criteria: RBHT-CGGL ClinVar Assertion Criteria. Collection method: clinical testing. Allele origin: germline. Affected: yes. Observed: 1 variant allele.
Comment: Pathogenic variants in COL5A2 are associated with classic Elhers-Danlos syndrome. This variant has been reported by another clinical laboratory as of uncertain significance (ClinVar variation ID 426754), and is detected at a low frequency in control populations (4/245982 alleles; gnomAD database). This substitution occurs at a position that is conserved across species and in silico analysis predicts this variant is probably damaging to the protein structure/function. The majority of pathogenic missense variants are reported to affect a Glycine residue in a Gly-X-Y motif in the triple helical region of the COL5A2 gene and most pathogenic variants in COL5A2 are in-frame splice site changes that cause exon skipping (Symoens et al. Hum Mutat. 2012;33(10):1485-93). This variant neither affects a Glycine residue nor is predicted to cause exon skipping.

GeneDx
Classification: Uncertain significance. Last evaluated: 2017-04-05. Review status: criteria provided, single submitter. Criteria: GeneDx Variant Classification (06012015). Collection method: clinical testing. Allele origin: germline. Affected: yes.
Comment: A variant of uncertain significance has been identified in the COL5A2 gene. The Q1141P variant has not been published as pathogenic or been reported as benign to our knowledge. This variant is also not observed at a significant frequency in large population cohorts (Lek et al., 2016; 1000 Genomes Consortium et al., 2015; Exome Variant Server). The Q1141P variant is a non-conservative amino acid substitution, which is likely to impact secondary protein structure as these residues differ in polarity, charge, size and/or other properties. Additionally, this substitution occurs at a position that is conserved across species and in silico analysis predicts this variant is probably damaging to the protein structure/function. Nevertheless, Q1141P does not affect a Glycine residue in a Gly-X-Y motif in the triple helical region of the COL5A2 gene, where the majority of pathogenic missense variants occur (Stenson et al., 2014; Symoens et al., 2012). Although in contrast to several other collagen genes, relatively few pathogenic Glycine substitutions have been reported in COL5A2 in association with Ehlers-Danlos syndrome. Most pathogenic variants in COL5A2 are in-frame splice site changes that cause exon skipping (Symoens et al., 2012).